The following is an entry in ClinVar:

ClinVar aggregate classification (germline): Uncertain significance (1 of 4 stars; one submission).

Allele frequency attached by ClinVar (database versions not stated): ExAC 0.00002; TOPMed 0.00002; gnomAD 0.00003.
gnomAD v4.1: 31 of 1,613,850 alleles (0.0019%); highest among the groups gnomAD compares: Non-Finnish European, 0.0023%; no homozygotes.

Submission:

Labcorp Genetics (formerly Invitae), Labcorp
Classification: Uncertain significance. Last evaluated: 2025-03-03. Review status: criteria provided, single submitter. Criteria: Invitae Variant Classification Sherloc (09022015). Collection method: clinical testing. Allele origin: germline.
Comment: This sequence change replaces cysteine, which is neutral and slightly polar, with tyrosine, which is neutral and polar, at codon 78 of the TM4SF20 protein (p.Cys78Tyr). This variant is present in population databases (rs766349514, gnomAD 0.005%). This variant has not been reported in the literature in individuals affected with TM4SF20-related conditions. ClinVar contains an entry for this variant (Variation ID: 1926817). An algorithm developed to predict the effect of missense changes on protein structure and function (PolyPhen-2) suggests that this variant is likely to be disruptive. In summary, the available evidence is currently insufficient to determine the role of this variant in disease. Therefore, it has been classified as a Variant of Uncertain Significance.

NM_024795.4(TM4SF20):c.233G>A (p.Cys78Tyr)

Genes: TM4SF20 (transmembrane 4 L six family member 20; minus strand), LOC126806540 (CDK7 strongly-dependent group 2 enhancer GRCh37_chr2:228235290-228236489; plus strand). Cytogenetic location: 2q36.3.
Variant type: single nucleotide variant.
Coding change: c.233G>A on transcript NM_024795.4 (MANE Select); coding-DNA position 233, G replaced by A.
Protein change: p.Cys78Tyr; replaces cysteine 78 with tyrosine.
Molecular consequence: missense variant.
Genome position (GRCh38, 1-based): chr2:227,370,931, C>T on the plus strand (G>A on the coding strand, the complement: TM4SF20 is on the minus strand). VCF-style: chr2-227370931-C-T. GRCh37 (hg19) VCF-style: chr2-228235647-C-T.
Other names: short protein forms C78Y.
Identifiers: ClinVar variation 1926817 (VCV001926817.5), dbSNP rs766349514, ClinGen allele CA2148266.